The following is an entry in ClinVar:

ClinVar aggregate classification (germline): Uncertain significance. Review status: criteria provided, multiple submitters, no conflicts (2 of 4 stars). 3 submissions from 3 submitters: Uncertain significance (3). Last evaluated 2025-12-29.

Conditions:
Hereditary cancer-predisposing syndrome. Also called: Tumor predisposition; Hereditary Cancer Syndrome; Hereditary neoplastic syndrome; Neoplastic Syndromes, Hereditary. Identifiers: Orphanet 140162, MedGen C0027672, MeSH D009386, MONDO:0015356.
Neurofibromatosis, type 2 (SWNV). Also called: BILATERAL ACOUSTIC NEUROFIBROMATOSIS; SCHWANNOMATOSIS, VESTIBULAR; NF2-Related Schwannomatosis. Identifiers: Orphanet 637, MedGen C0027832, MONDO:0007039, OMIM 101000. Disease mechanism: loss of function.

Submissions (3):

Greenwood Genetic Center Diagnostic Laboratories, Greenwood Genetic Center
Classification: Uncertain significance. Last evaluated: 2025-12-29. Review status: criteria provided, single submitter. Criteria: ACMG Guidelines, 2015. Collection method: clinical testing. Allele origin: germline. Affected: yes.
Comment: PM2, PP3

Labcorp Genetics (formerly Invitae), Labcorp
Classification: Uncertain significance for Neurofibromatosis, type 2. Last evaluated: 2024-05-31. Review status: criteria provided, single submitter. Criteria: Invitae Variant Classification Sherloc (09022015). Collection method: clinical testing. Allele origin: germline.
Comment: This sequence change replaces glutamine, which is neutral and polar, with proline, which is neutral and non-polar, at codon 111 of the NF2 protein (p.Gln111Pro). This variant is not present in population databases (gnomAD no frequency). This variant has not been reported in the literature in individuals affected with NF2-related conditions. ClinVar contains an entry for this variant (Variation ID: 835521). Advanced modeling of protein sequence and biophysical properties (such as structural, functional, and spatial information, amino acid conservation, physicochemical variation, residue mobility, and thermodynamic stability) performed at Invitae indicates that this missense variant is expected to disrupt NF2 protein function with a positive predictive value of 80%. In summary, the available evidence is currently insufficient to determine the role of this variant in disease. Therefore, it has been classified as a Variant of Uncertain Significance.

Ambry Genetics
Classification: Uncertain significance for Hereditary cancer-predisposing syndrome. Last evaluated: 2023-11-14. Review status: criteria provided, single submitter. Criteria: Ambry Variant Classification Scheme 2023. Collection method: clinical testing. Allele origin: germline.
Comment: The p.Q111P variant (also known as c.332A>C), located in coding exon 3 of the NF2 gene, results from an A to C substitution at nucleotide position 332. The glutamine at codon 111 is replaced by proline, an amino acid with similar properties. This amino acid position is highly conserved in available vertebrate species. In addition, this alteration is predicted to be deleterious by in silico analysis. Since supporting evidence is limited at this time, the clinical significance of this alteration remains unclear.

NM_000268.4(NF2):c.332A>C (p.Gln111Pro)

Gene: NF2 (NF2, moesin-ezrin-radixin like (MERLIN) tumor suppressor; plus strand). Cytogenetic location: 22q12.2.
Variant type: single nucleotide variant.
Coding change: c.332A>C on transcript NM_000268.4 (MANE Select); coding-DNA position 332, A replaced by C.
Protein change: p.Gln111Pro; replaces glutamine 111 with proline.
Molecular consequence: missense variant. On other transcripts: non-coding transcript variant (1), intron variant (3).
Genome position (GRCh38, 1-based): chr22:29,639,181, A>C. VCF-style: chr22-29639181-A-C. GRCh37 (hg19) VCF-style: chr22-30035170-A-C.
Other names: c.332A>C, p.Gln111Pro (NM_016418.5, NM_181825.3, NM_181832.3 and 1 more transcripts); c.206A>C, p.Gln69Pro (NM_181828.3); c.240+2305A>C (NM_181829.3); c.115-3021A>C (NM_181830.3, NM_181831.3); short protein forms Q111P, Q69P.
Identifiers: ClinVar variation 835521 (VCV000835521.12), dbSNP rs2065732351, ClinGen allele CA411153327.